The following is an entry in ClinVar:

ClinVar aggregate classification (germline): Likely benign (1 of 4 stars; one submission).

Submission:

CeGaT Center for Human Genetics Tuebingen
Classification: Likely benign. Last evaluated: 2025-03-01. Review status: criteria provided, single submitter. Criteria: CeGaT Center For Human Genetics Tuebingen Variant Classification Criteria Version 2. Collection method: clinical testing. Allele origin: germline. Affected: yes. Observed: 1 variant allele.
Comment: ODC1: BP4, BP7

NM_002539.3(ODC1):c.828C>A (p.Gly276=)

Gene: ODC1 (ornithine decarboxylase 1; minus strand). Cytogenetic location: 2p25.1.
Variant type: single nucleotide variant.
Coding change: c.828C>A on transcript NM_002539.3 (MANE Select); coding-DNA position 828, C replaced by A.
Protein change: p.Gly276=; no amino-acid change (glycine 276 retained).
Molecular consequence: synonymous variant.
Genome position (GRCh38, 1-based): chr2:10,442,097, G>T on the plus strand (C>A on the coding strand, the complement: ODC1 is on the minus strand). VCF-style: chr2-10442097-G-T. GRCh37 (hg19) VCF-style: chr2-10582223-G-T.
Other names: c.441C>A, p.Gly147= (NM_001287188.2); c.828C>A, p.Gly276= (NM_001287189.2, NM_001287190.2).
Identifiers: ClinVar variation 3777893 (VCV003777893.7).